The following is an entry in ClinVar:

NM_024422.6(DSC2):c.506T>C (p.Ile169Thr)

Gene: DSC2 (desmocollin 2; minus strand). Cytogenetic location: 18q12.1.
Variant type: single nucleotide variant.
Coding change: c.506T>C on transcript NM_024422.6 (MANE Select); coding-DNA position 506, T replaced by C.
Protein change: p.Ile169Thr; replaces isoleucine 169 with threonine.
Molecular consequence: missense variant.
Genome position (GRCh38, 1-based): chr18:31,089,563, A>G on the plus strand (T>C on the coding strand, the complement: DSC2 is on the minus strand). VCF-style: chr18-31089563-A-G. GRCh37 (hg19) VCF-style: chr18-28669526-A-G.
Other names: c.506T>C, p.Ile169Thr (NM_004949.5); short protein forms I169T.
Identifiers: ClinVar variation 1037404 (VCV001037404.9), dbSNP rs1185834011, ClinGen allele CA402113753.

ClinVar aggregate classification (germline): Uncertain significance. Review status: criteria provided, multiple submitters, no conflicts (2 of 4 stars). 2 submissions from 2 submitters: Uncertain significance (2). Last evaluated 2023-04-03.

Conditions:
Arrhythmogenic right ventricular dysplasia 11. Also called: Arrhythmogenic Right Ventricular Dysplasia/Cardiomyopathy11; ARRHYTHMOGENIC RIGHT VENTRICULAR DYSPLASIA, FAMILIAL, 11; Arrhythmogenic right ventricular dysplasia 11 with mild palmoplantar keratoderma and woolly hair. Identifiers: MedGen C1864850, MONDO:0012506, OMIM 610476.
Familial isolated arrhythmogenic right ventricular dysplasia. Identifiers: Orphanet 217656, MedGen C4274968, MONDO:0016342.

Allele frequency attached by ClinVar (database versions not stated): gnomAD exomes 0.00001 and below 0.00001.
gnomAD v4.1: 2 of 1,613,958 alleles (0.00012%); highest among the groups gnomAD compares: Non-Finnish European, 0.00017%; no homozygotes.

Submissions (2):

All of Us Research Program, National Institutes of Health
Classification: Uncertain significance for Familial isolated arrhythmogenic right ventricular dysplasia. Last evaluated: 2023-04-03. Review status: criteria provided, single submitter. Criteria: ACMG Guidelines, 2015. Collection method: clinical testing. Allele origin: germline. Inheritance: Autosomal dominant inheritance. Observed: 1 variant allele, 1 heterozygote.
Comment: This missense variant replaces isoleucine with threonine at codon 169 of the DSC2 protein. Computational prediction suggests that this variant may not impact protein structure and function (internally defined REVEL score threshold <= 0.5, PMID: 27666373). To our knowledge, functional studies have not been reported for this variant. This variant has not been reported in individuals affected with DSC2-related disorders in the literature. This variant has been identified in 2/251268 chromosomes in the general population by the Genome Aggregation Database (gnomAD). The available evidence is insufficient to determine the role of this variant in disease conclusively. Therefore, this variant is classified as a Variant of Uncertain Significance.

This study involves interpretation of variants in research participants for the purpose of population health screening. Participant phenotype was not available at the time of variant classification. Additional details can be found in publication PMID: 35346344, PMCID: PMC8962531

Labcorp Genetics (formerly Invitae), Labcorp
Classification: Uncertain significance for Arrhythmogenic right ventricular dysplasia 11. Last evaluated: 2020-06-17. Review status: criteria provided, single submitter. Criteria: Invitae Variant Classification Sherloc (09022015). Collection method: clinical testing. Allele origin: germline.
Comment: In summary, the available evidence is currently insufficient to determine the role of this variant in disease. Therefore, it has been classified as a Variant of Uncertain Significance. Algorithms developed to predict the effect of missense changes on protein structure and function (SIFT, PolyPhen-2, Align-GVGD) all suggest that this variant is likely to be disruptive, but these predictions have not been confirmed by published functional studies and their clinical significance is uncertain. This variant has not been reported in the literature in individuals with DSC2-related conditions. This variant is not present in population databases (ExAC no frequency). This sequence change replaces isoleucine with threonine at codon 169 of the DSC2 protein (p.Ile169Thr). The isoleucine residue is highly conserved and there is a moderate physicochemical difference between isoleucine and threonine.